The following is an entry in ClinVar:

NM_138713.4(NFAT5):c.3496A>G (p.Asn1166Asp)

Gene: NFAT5 (nuclear factor of activated T cells 5; plus strand). Cytogenetic location: 16q22.1.
Variant type: single nucleotide variant.
Coding change: c.3496A>G on transcript NM_138713.4 (MANE Select); coding-DNA position 3496, A replaced by G.
Protein change: p.Asn1166Asp; replaces asparagine 1166 with aspartic acid.
Molecular consequence: missense variant.
Genome position (GRCh38, 1-based): chr16:69,693,321, A>G. VCF-style: chr16-69693321-A-G. GRCh37 (hg19) VCF-style: chr16-69727224-A-G.
Other names: c.3493A>G, p.Asn1165Asp (NM_001113178.3); c.2821A>G, p.Asn941Asp (NM_001367709.1); c.3442A>G, p.Asn1148Asp (NM_006599.4); c.3214A>G, p.Asn1072Asp (NM_138714.4, NM_173214.3, NM_173215.3); short protein forms N1148D, N1166D, N1072D, N1165D, N941D.
Identifiers: ClinVar variation 4766022 (VCV004766022.1).
Genomic context (GRCh38, chr16:69,693,321, plus strand): 5'-GGCTCTTCAGTTCCTCAAGACCAGCAGTCAACCAACATATTTCTTTCCCAGAGTCCCATG[A>G]ATAATCTTCAGACTAACACAGTAGCCCAAGAAGCATTTTTTGCAGCACCGAACTCAATTT-3'
Protein context (NP_619727.2, residues 1156-1176): TNIFLSQSPM[Asn1166Asp]NLQTNTVAQE

ClinVar aggregate classification (germline): Uncertain significance (1 of 4 stars; one submission).

Conditions:
Immunodeficiency. Identifiers: MedGen C0021051, MONDO:0021094, HP:0002721.

Submission:

Labcorp Genetics (formerly Invitae), Labcorp
Classification: Uncertain significance for Immunodeficiency. Last evaluated: 2025-07-28. Review status: criteria provided, single submitter. Criteria: Invitae Variant Classification Sherloc (09022015). Collection method: clinical testing. Allele origin: germline.
Comment: This sequence change replaces asparagine, which is neutral and polar, with aspartic acid, which is acidic and polar, at codon 1072 of the NFAT5 protein (p.Asn1072Asp). This variant is not present in population databases (gnomAD no frequency). This variant has not been reported in the literature in individuals affected with NFAT5-related conditions. An algorithm developed to predict the effect of missense changes on protein structure and function (PolyPhen-2) suggests that this variant is likely to be tolerated. In summary, the available evidence is currently insufficient to determine the role of this variant in disease. Therefore, it has been classified as a Variant of Uncertain Significance.